The following is an entry in ClinVar:

NC_000007.13:g.(?_116165117)_(116340358_?)dup

Genes: CAV1 (caveolin 1; plus strand), MET (MET proto-oncogene, receptor tyrosine kinase; plus strand). Cytogenetic location: 7q31.2.
Variant type: Duplication.
Identifiers: ClinVar variation 3245623 (VCV003245623.1).

ClinVar aggregate classification (germline): Uncertain significance (1 of 4 stars; one submission).

Conditions:
Renal cell carcinoma (RCCP1). Identifiers: Orphanet 217071, MedGen C0007134, MeSH D002292, MONDO:0005086, HP:0005584.

Submission:

Labcorp Genetics (formerly Invitae), Labcorp
Classification: Uncertain significance for Renal cell carcinoma. Last evaluated: 2023-09-10. Review status: criteria provided, single submitter. Criteria: Invitae Variant Classification Sherloc (09022015). Collection method: clinical testing. Allele origin: unknown.
Comment: This variant results in a copy number gain of the genomic region encompassing exon(s) 1-2 of the MET gene. This region includes the initiator codon of the gene. This copy number gain extends beyond the assayed region for this gene and therefore may encompass additional genes. As the precise location of this event is unknown, it may be in tandem or it may be located elsewhere in the genome. This variant has not been reported in the literature in individuals affected with MET-related conditions. In summary, the available evidence is currently insufficient to determine the role of this variant in disease. Therefore, it has been classified as a Variant of Uncertain Significance.